The following is an entry in ClinVar:

NM_000548.5(TSC2):c.3390dup (p.Met1131fs)

Gene: TSC2 (TSC complex subunit 2; plus strand). Cytogenetic location: 16p13.3.
Variant type: Duplication.
Coding change: c.3390dup on transcript NM_000548.5 (MANE Select); coding-DNA position 3390, one base duplicated (C; older notation c.3390dupC).
Protein change: p.Met1131fs; shifts the reading frame from methionine 1131.
Molecular consequence: frameshift variant. On other transcripts: non-coding transcript variant (5).
Genome position (GRCh38, 1-based): chr16:2,079,662, C duplicated; the last of 2 consecutive C bases (chr16:2,079,661-2,079,662); duplicating either gives the same sequence. VCF-style (leftmost placement, unchanged base first): chr16-2079660-T-TC. GRCh37 (hg19) VCF-style: chr16-2129661-T-TC.
Other names: c.3390dupC (NM_000548.3); c.3258dup, p.Met1087fs (NM_001077183.3, NM_001370404.1, NM_001406665.1); c.3390dup, p.Met1131fs (NM_001114382.3); c.3150dup, p.Met1051fs (NM_001318827.2); c.3114dup, p.Met1039fs (NM_001318829.2); c.2658dup, p.Met887fs (NM_001318831.2, NM_001406687.1, NM_001406688.1); c.3291dup, p.Met1098fs (NM_001318832.2); c.3261dup, p.Met1088fs (NM_001363528.2, NM_001370405.1, NM_021055.3); and 19 more; short protein forms M1038fs, M1039fs, M1050fs, M1051fs, M1068fs, M1081fs, M1082fs, M1083fs.
Identifiers: ClinVar variation 4866110 (VCV004866110.1).

ClinVar aggregate classification (germline): Pathogenic (1 of 4 stars; one submission).

Conditions:
Hereditary cancer-predisposing syndrome. Also called: Neoplastic Syndromes, Hereditary; Tumor predisposition; Hereditary Cancer Syndrome; Hereditary neoplastic syndrome. Identifiers: Orphanet 140162, MedGen C0027672, MeSH D009386, MONDO:0015356.

Submission:

Ambry Genetics
Classification: Pathogenic for Hereditary cancer-predisposing syndrome. Last evaluated: 2026-05-19. Review status: criteria provided, single submitter. Criteria: Ambry Variant Classification Scheme 2023. Collection method: clinical testing. Allele origin: germline.
Comment: The c.3390dupC pathogenic mutation, located in coding exon 28 of the TSC2 gene, results from a duplication of C at nucleotide position 3390, causing a translational frameshift with a predicted alternate stop codon (p.M1131Hfs*37). This variant is considered to be rare based on population cohorts in the Genome Aggregation Database (gnomAD). This alteration is expected to result in loss of function by premature protein truncation or nonsense-mediated mRNA decay. As such, this alteration is interpreted as a disease-causing mutation.